The following is an entry in ClinVar:

ClinVar aggregate classification (germline): Uncertain significance (1 of 4 stars; one submission).

Conditions:
Dyskeratosis congenita. Identifiers: Orphanet 1775, MedGen C0265965, MONDO:0015780.

Allele frequency attached by ClinVar (database versions not stated): TOPMed below 0.00001.
gnomAD v4.1: 6 of 1,613,962 alleles (0.00037%); highest among the groups gnomAD compares: Admixed American, 0.01%; no homozygotes.

Submission:

Labcorp Genetics (formerly Invitae), Labcorp
Classification: Uncertain significance for Dyskeratosis congenita. Last evaluated: 2022-04-17. Review status: criteria provided, single submitter. Criteria: Invitae Variant Classification Sherloc (09022015). Collection method: clinical testing. Allele origin: germline.
Comment: This sequence change replaces isoleucine, which is neutral and non-polar, with leucine, which is neutral and non-polar, at codon 1201 of the CTC1 protein (p.Ile1201Leu). This variant is present in population databases (rs772166289, gnomAD 0.02%). This variant has not been reported in the literature in individuals affected with CTC1-related conditions. Algorithms developed to predict the effect of missense changes on protein structure and function output the following: SIFT: "Tolerated"; PolyPhen-2: "Benign"; Align-GVGD: "Class C0". The leucine amino acid residue is found in multiple mammalian species, which suggests that this missense change does not adversely affect protein function. In summary, the available evidence is currently insufficient to determine the role of this variant in disease. Therefore, it has been classified as a Variant of Uncertain Significance.

NM_025099.6(CTC1):c.3601A>C (p.Ile1201Leu)

Gene: CTC1 (CST telomere replication complex component 1; minus strand). Cytogenetic location: 17p13.1.
Variant type: single nucleotide variant.
Coding change: c.3601A>C on transcript NM_025099.6 (MANE Select); coding-DNA position 3601, A replaced by C.
Protein change: p.Ile1201Leu; replaces isoleucine 1201 with leucine.
Molecular consequence: missense variant. On other transcripts: non-coding transcript variant (1).
Genome position (GRCh38, 1-based): chr17:8,228,233, T>G on the plus strand (A>C on the coding strand, the complement: CTC1 is on the minus strand). VCF-style: chr17-8228233-T-G. GRCh37 (hg19) VCF-style: chr17-8131551-T-G.
Other names: c.3370A>C, p.Ile1124Leu (NM_001411067.1); short protein forms I1124L, I1201L.
Identifiers: ClinVar variation 2059195 (VCV002059195.4), dbSNP rs772166289, ClinGen allele CA8371700.